The following is an entry in ClinVar:

NM_001365536.1(SCN9A):c.5087C>A (p.Thr1696Asn)

Genes: SCN1A-AS1 (SCN1A and SCN9A antisense RNA 1; plus strand), SCN9A (sodium voltage-gated channel alpha subunit 9; minus strand). Cytogenetic location: 2q24.3.
Variant type: single nucleotide variant.
Coding change: c.5087C>A on transcript NM_001365536.1 (MANE Select); coding-DNA position 5087, C replaced by A.
Protein change: p.Thr1696Asn; replaces threonine 1696 with asparagine.
Molecular consequence: missense variant.
Genome position (GRCh38, 1-based): chr2:166,199,552, G>T on the plus strand (C>A on the coding strand, the complement: SCN9A is on the minus strand). VCF-style: chr2-166199552-G-T. GRCh37 (hg19) VCF-style: chr2-167056062-G-T.
Other names: c.5054C>A, p.Thr1685Asn (NM_002977.4); short protein forms T1696N, T1685N.
Identifiers: ClinVar variation 953888 (VCV000953888.10), dbSNP rs1693379308, ClinGen allele CA349054740.
Genomic context (GRCh38, chr2:166,199,552, plus strand): 5'-TCACAGTCGGGTGGCTTACTGTTAAGAATAGGTGCTAGCAATCCATCCCAGCCAGCAGAG[G>T]TTGTAATTTGGAACAGGCAAATCATACTGTTGCCAAAGGTCTCAAAATTGAACATGTCAT-3'
Protein context (NP_001352465.1, residues 1686-1706): NSMICLFQIT[Thr1696Asn]SAGWDGLLAP

ClinVar aggregate classification (germline): Uncertain significance (1 of 4 stars; one submission).

Conditions:
Generalized epilepsy with febrile seizures plus, type 7 (GEFSP7). Also called: GEFS+, TYPE 7. Identifiers: Orphanet 36387, MedGen C2751778, MONDO:0013470, OMIM 613863.
Neuropathy, hereditary sensory and autonomic, type 2A (HSAN2A). Also called: HSAN IIA; NEUROPATHY, CONGENITAL SENSORY; MORVAN DISEASE; NEUROPATHY, HEREDITARY SENSORY RADICULAR, AUTOSOMAL RECESSIVE; NEUROPATHY, HEREDITARY SENSORY, TYPE IIA; NEUROPATHY, PROGRESSIVE SENSORY, OF CHILDREN. Identifiers: Orphanet 970, MedGen C2752089, MONDO:0024309, OMIM 201300.

Allele frequency attached by ClinVar (database versions not stated): TOPMed below 0.00001.
gnomAD v4.1: 1 of 1,614,070 alleles (0.000062%); highest among the groups gnomAD compares: Non-Finnish European, 0.000085%; no homozygotes.

Submission:

Labcorp Genetics (formerly Invitae), Labcorp
Classification: Uncertain significance for Neuropathy, hereditary sensory and autonomic, type 2A; Generalized epilepsy with febrile seizures plus, type 7. Last evaluated: 2023-08-17. Review status: criteria provided, single submitter. Criteria: Invitae Variant Classification Sherloc (09022015). Collection method: clinical testing. Allele origin: germline.
Comment: In summary, the available evidence is currently insufficient to determine the role of this variant in disease. Therefore, it has been classified as a Variant of Uncertain Significance. Advanced modeling of protein sequence and biophysical properties (such as structural, functional, and spatial information, amino acid conservation, physicochemical variation, residue mobility, and thermodynamic stability) has been performed at Invitae for this missense variant, however the output from this modeling did not meet the statistical confidence thresholds required to predict the impact of this variant on SCN9A protein function. ClinVar contains an entry for this variant (Variation ID: 953888). This variant has not been reported in the literature in individuals affected with SCN9A-related conditions. This variant is not present in population databases (gnomAD no frequency). This sequence change replaces threonine, which is neutral and polar, with asparagine, which is neutral and polar, at codon 1685 of the SCN9A protein (p.Thr1685Asn).